The following is an entry in ClinVar:

NM_032737.4(LMNB2):c.16C>G (p.Pro6Ala)

Genes: LMNB2 (lamin B2; minus strand), LOC130063066 (ATAC-STARR-seq lymphoblastoid silent region 9792; plus strand). Cytogenetic location: 19p13.3.
Variant type: single nucleotide variant.
Coding change: c.16C>G on transcript NM_032737.4 (MANE Select); coding-DNA position 16, C replaced by G.
Protein change: p.Pro6Ala; replaces proline 6 with alanine.
Molecular consequence: missense variant.
Genome position (GRCh38, 1-based): chr19:2,456,918, G>C on the plus strand (C>G on the coding strand, the complement: LMNB2 is on the minus strand). VCF-style: chr19-2456918-G-C. GRCh37 (hg19) VCF-style: chr19-2456916-G-C.
Other names: short protein forms P6A.
Identifiers: ClinVar variation 2648977 (VCV002648977.24), dbSNP rs900966872, ClinGen allele CA403260225.

ClinVar aggregate classification (germline): Uncertain significance (1 of 4 stars; one submission).

Submission:

CeGaT Center for Human Genetics Tuebingen
Classification: Uncertain significance. Last evaluated: 2022-03-01. Review status: criteria provided, single submitter. Criteria: CeGaT Center For Human Genetics Tuebingen Variant Classification Criteria Version 2. Collection method: clinical testing. Allele origin: germline. Affected: yes. Observed: 1 variant allele.
Comment: LMNB2: PM2, PP3